The following is an entry in ClinVar:

ClinVar aggregate classification (germline): Uncertain significance (1 of 4 stars; one submission).

Submission:

Ambry Genetics
Classification: Uncertain significance. Last evaluated: 2024-03-18. Review status: criteria provided, single submitter. Criteria: Ambry Variant Classification Scheme 2023. Collection method: clinical testing. Allele origin: germline.
Comment: The p.R189P variant (also known as c.566G>C), located in coding exon 1 of the TERF2IP gene, results from a G to C substitution at nucleotide position 566. The arginine at codon 189 is replaced by proline, an amino acid with dissimilar properties. This amino acid position is conserved. In addition, this alteration is predicted to be tolerated by in silico analysis. Based on the available evidence, the clinical significance of this alteration remains unclear.

NM_018975.4(TERF2IP):c.566G>C (p.Arg189Pro)

Gene: TERF2IP (TERF2 interacting protein; plus strand). Cytogenetic location: 16q23.1.
Variant type: single nucleotide variant.
Coding change: c.566G>C on transcript NM_018975.4 (MANE Select); coding-DNA position 566, G replaced by C.
Protein change: p.Arg189Pro; replaces arginine 189 with proline.
Molecular consequence: missense variant. On other transcripts: non-coding transcript variant (1).
Genome position (GRCh38, 1-based): chr16:75,648,448, G>C. VCF-style: chr16-75648448-G-C. GRCh37 (hg19) VCF-style: chr16-75682346-G-C.
Other names: short protein forms R189P.
Identifiers: ClinVar variation 3325445 (VCV003325445.1).